The following is an entry in ClinVar:

NM_016203.4(PRKAG2):c.1550T>C (p.Leu517Pro)

Gene: PRKAG2 (protein kinase AMP-activated non-catalytic subunit gamma 2; minus strand). Cytogenetic location: 7q36.1.
Variant type: single nucleotide variant.
Coding change: c.1550T>C on transcript NM_016203.4 (MANE Select); coding-DNA position 1550, T replaced by C.
Protein change: p.Leu517Pro; replaces leucine 517 with proline.
Molecular consequence: missense variant.
Genome position (GRCh38, 1-based): chr7:151,564,112, A>G on the plus strand (T>C on the coding strand, the complement: PRKAG2 is on the minus strand). VCF-style: chr7-151564112-A-G. GRCh37 (hg19) VCF-style: chr7-151261198-A-G.
Other names: c.1418T>C, p.Leu473Pro (NM_001040633.2, NM_001407024.1); c.1175T>C, p.Leu392Pro (NM_001304527.2, NM_001407029.1); c.827T>C, p.Leu276Pro (NM_001304531.2, NM_001407034.1, NM_001407035.1 and 1 more transcripts); c.1178T>C, p.Leu393Pro (NM_001363698.2, NM_001407028.1); c.1550T>C, p.Leu517Pro (NM_001407021.1); c.1547T>C, p.Leu516Pro (NM_001407022.1, NM_001407023.1); c.1415T>C, p.Leu472Pro (NM_001407026.1, NM_001407027.1); c.1262T>C, p.Leu421Pro (NM_001407030.1); and 6 more; short protein forms L275P, L472P, L473P, L516P, L296P, L393P, L421P, L292P.
Identifiers: ClinVar variation 3636779 (VCV003636779.2).
Genomic context (GRCh38, chr7:151,564,112, plus strand): 5'-GAGCAGGACTGGGAAAGCCGTCTCACCTCAGCTCTTACTATTCTGTCCACGATGGTCTCC[A>G]GTATTTCCAGCTTATTGCACTTCACAACACCTTCAAAATACTGTGAACGGTGCTGAAGGG-3'
Protein context (NP_057287.2, residues 507-527): GVVKCNKLEI[Leu517Pro]ETIVDRIVRA

ClinVar aggregate classification (germline): Uncertain significance (1 of 4 stars; one submission).

Conditions:
Lethal congenital glycogen storage disease of heart. Also called: PHOSPHORYLASE KINASE DEFICIENCY OF HEART; GLYCOGEN STORAGE DISEASE OF HEART. Identifiers: Orphanet 439854, MedGen C1849813, MONDO:0009867, OMIM 261740.

Submission:

Labcorp Genetics (formerly Invitae), Labcorp
Classification: Uncertain significance for Lethal congenital glycogen storage disease of heart. Last evaluated: 2024-06-24. Review status: criteria provided, single submitter. Criteria: Invitae Variant Classification Sherloc (09022015). Collection method: clinical testing. Allele origin: germline.
Comment: This sequence change replaces leucine, which is neutral and non-polar, with proline, which is neutral and non-polar, at codon 517 of the PRKAG2 protein (p.Leu517Pro). This variant is not present in population databases (gnomAD no frequency). This variant has not been reported in the literature in individuals affected with PRKAG2-related conditions. Advanced modeling of protein sequence and biophysical properties (such as structural, functional, and spatial information, amino acid conservation, physicochemical variation, residue mobility, and thermodynamic stability) performed at Invitae indicates that this missense variant is expected to disrupt PRKAG2 protein function with a positive predictive value of 95%. In summary, the available evidence is currently insufficient to determine the role of this variant in disease. Therefore, it has been classified as a Variant of Uncertain Significance.